The following is an entry in ClinVar:

NM_002148.4(HOXD10):c.*55G>T

Gene: HOXD10 (homeobox D10; plus strand). Cytogenetic location: 2q31.1.
Variant type: single nucleotide variant.
Coding change: c.*55G>T on transcript NM_002148.4 (MANE Select); 55 bases downstream of the stop codon, G replaced by T.
Molecular consequence: 3 prime UTR variant.
Genome position (GRCh38, 1-based): chr2:176,119,286, G>T. VCF-style: chr2-176119286-G-T. GRCh37 (hg19) VCF-style: chr2-176984014-G-T.
Identifiers: ClinVar variation 332493 (VCV000332493.6), dbSNP rs61070787, ClinGen allele CA10611953.

ClinVar aggregate classification (germline): Benign. Review status: criteria provided, multiple submitters, no conflicts (2 of 4 stars). 2 submissions from 2 submitters: Benign (2). Last evaluated 2018-01-13.

Conditions:
Congenital vertical talus. Also called: PES VALGUS, CONGENITAL CONVEX; Rocker-bottom foot deformity. Identifiers: Orphanet 178382, MedGen C0240912, MONDO:0008652, OMIM 192950, HP:0001838.

Allele frequency attached by ClinVar (database versions not stated): 1000 Genomes Project 0.02915; gnomAD 0.03100 and 0.03367; 1000 Genomes Project 30x 0.03232; TOPMed 0.03582.

Submissions (2):

Illumina Laboratory Services, Illumina
Classification: Benign for Congenital vertical talus. Last evaluated: 2018-01-13. Review status: criteria provided, single submitter. Criteria: ICSL Variant Classification Criteria 13 December 2019. Collection method: clinical testing. Allele origin: germline.
Comment: This variant was observed in the ICSL laboratory as part of a predisposition screen in an ostensibly healthy population. It had not been previously curated by ICSL or reported in the Human Gene Mutation Database (HGMD: prior to June 1st, 2018), and was therefore a candidate for classification through an automated scoring system. Utilizing variant allele frequency, disease prevalence and penetrance estimates, and inheritance mode, an automated score was calculated to assess if this variant is too frequent to cause the disease. Based on the score and internal cut-off values, a variant classified as benign is not then subjected to further curation. The score for this variant resulted in a classification of benign for this disease.

Breakthrough Genomics
Classification: Benign. Review status: criteria provided, single submitter. Criteria: ACMG Guidelines, 2015. Collection method: not provided. Allele origin: germline. Inheritance: Autosomal dominant inheritance. Affected: yes.